The following is an entry in ClinVar:

NM_032608.7(MYO18B):c.1717G>A (p.Val573Ile)

Gene: MYO18B (myosin XVIIIB; plus strand). Cytogenetic location: 22q12.1.
Variant type: single nucleotide variant.
Coding change: c.1717G>A on transcript NM_032608.7 (MANE Select); coding-DNA position 1717, G replaced by A.
Protein change: p.Val573Ile; replaces valine 573 with isoleucine.
Molecular consequence: missense variant.
Genome position (GRCh38, 1-based): chr22:25,772,358, G>A. VCF-style: chr22-25772358-G-A. GRCh37 (hg19) VCF-style: chr22-26168325-G-A.
Other names: c.1717G>A, p.Val573Ile (NM_001318245.2); c.1717G>A (NM_032608.5); short protein forms V573I.
Identifiers: ClinVar variation 1905360 (VCV001905360.4), dbSNP rs763343161, ClinGen allele CA10159932.

ClinVar aggregate classification (germline): Uncertain significance. Review status: criteria provided, multiple submitters, no conflicts (2 of 4 stars). 2 submissions from 2 submitters: Uncertain significance (2). Last evaluated 2023-02-22.

Conditions:
Inborn genetic diseases. Identifiers: MedGen C0950123, MeSH D030342.

Allele frequency attached by ClinVar (database versions not stated): gnomAD 0.00001; TOPMed 0.00002; ExAC 0.00003; gnomAD exomes 0.00004.
gnomAD v4.1: 59 of 1,613,826 alleles (0.0037%); highest among the groups gnomAD compares: Middle Eastern, 0.016%; no homozygotes.

Submissions (2):

Ambry Genetics
Classification: Uncertain significance for Inborn genetic diseases. Last evaluated: 2023-02-22. Review status: criteria provided, single submitter. Criteria: Ambry Variant Classification Scheme 2023. Collection method: clinical testing. Allele origin: germline.

Labcorp Genetics (formerly Invitae), Labcorp
Classification: Uncertain significance. Last evaluated: 2022-02-07. Review status: criteria provided, single submitter. Criteria: Invitae Variant Classification Sherloc (09022015). Collection method: clinical testing. Allele origin: germline.
Comment: This sequence change replaces valine, which is neutral and non-polar, with isoleucine, which is neutral and non-polar, at codon 573 of the MYO18B protein (p.Val573Ile). This variant is present in population databases (rs763343161, gnomAD 0.004%). This variant has not been reported in the literature in individuals affected with MYO18B-related conditions. Algorithms developed to predict the effect of missense changes on protein structure and function are either unavailable or do not agree on the potential impact of this missense change (SIFT: "Not Available"; PolyPhen-2: "Benign"; Align-GVGD: "Not Available"). In summary, the available evidence is currently insufficient to determine the role of this variant in disease. Therefore, it has been classified as a Variant of Uncertain Significance.